The following is an entry in ClinVar:

NM_001394062.1(MACF1):c.10922A>G (p.Gln3641Arg)

Gene: MACF1 (microtubule actin crosslinking factor 1; plus strand). Cytogenetic location: 1p34.3.
Variant type: single nucleotide variant.
Coding change: c.10922A>G on transcript NM_001394062.1 (MANE Select); coding-DNA position 10922, A replaced by G.
Protein change: p.Gln3641Arg; replaces glutamine 3641 with arginine.
Molecular consequence: missense variant.
Genome position (GRCh38, 1-based): chr1:39,349,584, A>G. VCF-style: chr1-39349584-A-G. GRCh37 (hg19) VCF-style: chr1-39815256-A-G.
Other names: c.4736A>G, p.Gln1579Arg (NM_012090.5); short protein forms Q3641R, Q1579R.
Identifiers: ClinVar variation 1977279 (VCV001977279.5), dbSNP rs763325721, ClinGen allele CA781464.

ClinVar aggregate classification (germline): Uncertain significance (1 of 4 stars; one submission).

Allele frequency attached by ClinVar (database versions not stated): ExAC 0.00001; gnomAD exomes below 0.00001; TOPMed 0.00001.
gnomAD v4.1: 2 of 1,614,244 alleles (0.00012%); highest among the groups gnomAD compares: Non-Finnish European, 0.00017%; no homozygotes.

Submission:

Labcorp Genetics (formerly Invitae), Labcorp
Classification: Uncertain significance. Last evaluated: 2025-03-17. Review status: criteria provided, single submitter. Criteria: Invitae Variant Classification Sherloc (09022015). Collection method: clinical testing. Allele origin: germline.
Comment: This sequence change replaces glutamine, which is neutral and polar, with arginine, which is basic and polar, at codon 1579 of the MACF1 protein (p.Gln1579Arg). This variant is present in population databases (rs763325721, gnomAD 0.0009%). This variant has not been reported in the literature in individuals affected with MACF1-related conditions. ClinVar contains an entry for this variant (Variation ID: 1977279). An algorithm developed to predict the effect of missense changes on protein structure and function outputs the following: PolyPhen-2: "Benign". The arginine amino acid residue is found in multiple mammalian species, which suggests that this missense change does not adversely affect protein function. In summary, the available evidence is currently insufficient to determine the role of this variant in disease. Therefore, it has been classified as a Variant of Uncertain Significance.